The following is an entry in ClinVar:

NM_139057.4(ADAMTS17):c.*1729G>A

Gene: ADAMTS17 (ADAM metallopeptidase with thrombospondin type 1 motif 17; minus strand). Cytogenetic location: 15q26.3.
Variant type: single nucleotide variant.
Coding change: c.*1729G>A on transcript NM_139057.4 (MANE Select); 1729 bases downstream of the stop codon, G replaced by A.
Molecular consequence: 3 prime UTR variant.
Genome position (GRCh38, 1-based): chr15:99,972,673, C>T on the plus strand (G>A on the coding strand, the complement: ADAMTS17 is on the minus strand). VCF-style: chr15-99972673-C-T. GRCh37 (hg19) VCF-style: chr15-100512878-C-T.
Identifiers: ClinVar variation 315178 (VCV000315178.5), dbSNP rs58739070, ClinGen allele CA10646848.

ClinVar aggregate classification (germline): Benign (1 of 4 stars; one submission).

Conditions:
Weill-Marchesani 4 syndrome, recessive. Also called: Weill-Marchesani syndrome 4. Identifiers: Orphanet 363992, MedGen C2750787, MONDO:0013176, OMIM 613195.

Allele frequency attached by ClinVar (database versions not stated): gnomAD 0.01472 and 0.01571; 1000 Genomes Project 0.01478; 1000 Genomes Project 30x 0.01608; TOPMed 0.01697.

Submission:

Illumina Laboratory Services, Illumina
Classification: Benign for Weill-Marchesani 4 syndrome, recessive. Last evaluated: 2018-01-13. Review status: criteria provided, single submitter. Criteria: ICSL Variant Classification Criteria 13 December 2019. Collection method: clinical testing. Allele origin: germline.
Comment: This variant was observed in the ICSL laboratory as part of a predisposition screen in an ostensibly healthy population. It had not been previously curated by ICSL or reported in the Human Gene Mutation Database (HGMD: prior to June 1st, 2018), and was therefore a candidate for classification through an automated scoring system. Utilizing variant allele frequency, disease prevalence and penetrance estimates, and inheritance mode, an automated score was calculated to assess if this variant is too frequent to cause the disease. Based on the score and internal cut-off values, a variant classified as benign is not then subjected to further curation. The score for this variant resulted in a classification of benign for this disease.